The following is an entry in ClinVar:

ClinVar aggregate classification (germline): Uncertain significance. Review status: criteria provided, multiple submitters, no conflicts (2 of 4 stars). 2 submissions from 2 submitters: Uncertain significance (2). Last evaluated 2024-11-04.

Conditions:
Periodic fever-infantile enterocolitis-autoinflammatory syndrome. Also called: Autoinflammation with infantile enterocolitis. Identifiers: Orphanet 436166, MedGen C4015067, MONDO:0014472, OMIM 616050.
Familial cold autoinflammatory syndrome 4 (FCAS4). Identifiers: Orphanet 47045, Orphanet 576349, MedGen C4015276, MONDO:0014498, OMIM 616115.

Allele frequency attached by ClinVar (database versions not stated): TOPMed 0.00004; gnomAD 0.00001; ESP Exome Variant Server 0.00008; gnomAD exomes 0.00001 and 0.00003; ExAC 0.00004.
gnomAD v4.1: 23 of 1,613,928 alleles (0.0014%); highest among the groups gnomAD compares: South Asian, 0.0099%; no homozygotes.

Submissions (2):

Labcorp Genetics (formerly Invitae), Labcorp
Classification: Uncertain significance for Periodic fever-infantile enterocolitis-autoinflammatory syndrome; Familial cold autoinflammatory syndrome 4. Last evaluated: 2024-11-04. Review status: criteria provided, single submitter. Criteria: Invitae Variant Classification Sherloc (09022015). Collection method: clinical testing. Allele origin: germline.
Comment: This sequence change replaces arginine, which is basic and polar, with glutamine, which is neutral and polar, at codon 310 of the NLRC4 protein (p.Arg310Gln). This variant is present in population databases (rs368415170, gnomAD 0.02%). This variant has not been reported in the literature in individuals affected with NLRC4-related conditions. ClinVar contains an entry for this variant (Variation ID: 934487). Invitae Evidence Modeling of protein sequence and biophysical properties (such as structural, functional, and spatial information, amino acid conservation, physicochemical variation, residue mobility, and thermodynamic stability) indicates that this missense variant is not expected to disrupt NLRC4 protein function with a negative predictive value of 80%. In summary, the available evidence is currently insufficient to determine the role of this variant in disease. Therefore, it has been classified as a Variant of Uncertain Significance.

Blueprint Genetics
Classification: Uncertain significance. Last evaluated: 2024-08-28. Review status: criteria provided, single submitter. Criteria: ACMG Guidelines, 2015. Collection method: clinical testing. Allele origin: germline.

NM_001199138.2(NLRC4):c.929G>A (p.Arg310Gln)

Gene: NLRC4 (NLR family CARD domain containing 4; minus strand). Cytogenetic location: 2p22.3.
Variant type: single nucleotide variant.
Coding change: c.929G>A on transcript NM_001199138.2 (MANE Select); coding-DNA position 929, G replaced by A.
Protein change: p.Arg310Gln; replaces arginine 310 with glutamine.
Molecular consequence: missense variant. On other transcripts: intron variant (1).
Genome position (GRCh38, 1-based): chr2:32,250,935, C>T on the plus strand (G>A on the coding strand, the complement: NLRC4 is on the minus strand). VCF-style: chr2-32250935-C-T. GRCh37 (hg19) VCF-style: chr2-32476004-C-T.
Other names: c.929G>A, p.Arg310Gln (NM_001199139.2, NM_021209.5); c.262+1484G>A (NM_001302504.1); short protein forms R310Q.
Identifiers: ClinVar variation 934487 (VCV000934487.10), dbSNP rs368415170, ClinGen allele CA1602060.